The following is an entry in ClinVar:

ClinVar aggregate classification (germline): Uncertain significance (1 of 4 stars; one submission).

Conditions:
Inborn genetic diseases. Identifiers: MedGen C0950123, MeSH D030342.

gnomAD v4.1: 1 of 1,614,228 alleles (0.000062%); highest among the groups gnomAD compares: Non-Finnish European, 0.000085%; no homozygotes.

Submission:

Ambry Genetics
Classification: Uncertain significance for Inborn genetic diseases. Last evaluated: 2026-06-17. Review status: criteria provided, single submitter. Criteria: Ambry Variant Classification Scheme 2023. Collection method: clinical testing. Allele origin: germline.
Comment: The c.1136A>G (p.Q379R) alteration is located in exon 5 (coding exon 1) of the HIVEP2 gene. This alteration results from a A to G substitution at nucleotide position 1136, causing the glutamine (Q) at amino acid position 379 to be replaced by an arginine (R). Based on data from gnomAD, the G allele has an overall frequency of <0.001% (1/249538) total alleles studied. The highest observed frequency was 0.001% (1/113264) of European (non-Finnish) alleles. Based on insufficient or conflicting evidence, the clinical significance of this alteration remains unclear.

NM_006734.4(HIVEP2):c.1136A>G (p.Gln379Arg)

Gene: HIVEP2 (HIVEP zinc finger 2; minus strand). Cytogenetic location: 6q24.2.
Variant type: single nucleotide variant.
Coding change: c.1136A>G on transcript NM_006734.4 (MANE Select); coding-DNA position 1136, A replaced by G.
Protein change: p.Gln379Arg; replaces glutamine 379 with arginine.
Molecular consequence: missense variant.
Genome position (GRCh38, 1-based): chr6:142,773,603, T>C on the plus strand (A>G on the coding strand, the complement: HIVEP2 is on the minus strand). VCF-style: chr6-142773603-T-C. GRCh37 (hg19) VCF-style: chr6-143094740-T-C.
Other names: c.1136A>G, p.Gln379Arg (NM_001438449.1, NM_001438450.1, NM_001438451.1); short protein forms Q379R.
Identifiers: ClinVar variation 5022658 (VCV005022658.1).
Genomic context (GRCh38, chr6:142,773,603, plus strand): 5'-CCAGAATCAGTGCTTCCTTTACTGTGCGGGCTCAGAAGGTTGAGCGATGGCTCAGAATCT[T>C]GTCCTTTTTTCTCTGACAGTCTTAGTGCAAGTTTCTGTTTGACTGTGTGCGAATCATCAG-3'
Protein context (NP_006725.3, residues 369-389): LALRLSEKKG[Gln379Arg]DSEPSLNLLS